The following is an entry in ClinVar:

NM_000540.3(RYR1):c.3166G>A (p.Asp1056Asn)

Gene: RYR1 (ryanodine receptor 1; plus strand). Cytogenetic location: 19q13.2.
Variant type: single nucleotide variant.
Coding change: c.3166G>A on transcript NM_000540.3 (MANE Select); coding-DNA position 3166, G replaced by A.
Protein change: p.Asp1056Asn; replaces aspartic acid 1056 with asparagine.
Molecular consequence: missense variant.
Genome position (GRCh38, 1-based): chr19:38,466,386, G>A. VCF-style: chr19-38466386-G-A. GRCh37 (hg19) VCF-style: chr19-38957026-G-A.
Other names: c.3166G>A, p.Asp1056Asn (NM_001042723.2); short protein forms D1056N.
Identifiers: ClinVar variation 1210310 (VCV001210310.3), dbSNP rs2145447772, ClinGen allele CA405635960.

ClinVar aggregate classification (germline): Uncertain significance (3 of 4 stars; one submission).

Conditions:
Malignant hyperthermia, susceptibility to, 1 (MHS1). Also called: RYR1-Related Malignant Hyperthermia Susceptibility; Anesthesia related hyperthermia; Malignant hyperpyrexia; Fulminating hyperpyrexia; Pharmacogenic myopathy; Malignant hyperthermia suceptibility 1. Identifiers: Orphanet 423, MedGen C2930980, MONDO:0007783, OMIM 145600.

Submission:

ClinGen Malignant Hyperthermia Susceptibility Variant Curation Expert Panel, ClinGen
Classification: Uncertain significance for Malignant hyperthermia, susceptibility to, 1. Last evaluated: 2025-08-01. Review status: reviewed by expert panel. Criteria: ClinGen MHS ACMG Specifications V2. Collection method: curation. Allele origin: germline. Inheritance: Autosomal dominant inheritance.
Comment: This pathogenicity assessment is relevant only for malignant hyperthermia susceptibility (MHS) inherited in an autosomal dominant pattern. Variants in RYR1 can also cause other myopathies inherited in an autosomal dominant pattern or in an autosomal recessive pattern. Some of these disorders may predispose individuals to malignant hyperthermia. RYR1 variants may also contribute to a malignant hyperthermia reaction in combination with other genetic and non-genetic factors and the clinician needs to consider such factors in making management decisions. This sequence variant predicts a substitution of aspartic acid with asparagine at codon 1056 of the RYR1 protein, p.Asp1056Asn. This variant was not present in a large population database (gnomAD) at the time this variant was interpreted. This variant has been reported in an individual with a personal or family history of an MH episode and a positive in vitro contracture test (IVCT) or caffeine halothane contracture test (CHCT) result (if the proband was unavailable for testing, a positive diagnostic test result in a mutation-positive relative was counted), PS4_Supporting (PMID:20681998). No functional studies were identified for this variant. This variant does not reside in a hotspot for pathogenic variants that contribute to MHS. A REVEL score of 0.685 supports neither a pathogenic nor a benign status for this variant. This variant has been classified as a Variant of Unknown Significance. Criteria implemented: PS4_Supporting.